The following is an entry in ClinVar:

NM_199355.4(ADAMTS18):c.3295A>G (p.Ile1099Val)

Gene: ADAMTS18 (ADAM metallopeptidase with thrombospondin type 1 motif 18; minus strand). Cytogenetic location: 16q23.1.
Variant type: single nucleotide variant.
Coding change: c.3295A>G on transcript NM_199355.4 (MANE Select); coding-DNA position 3295, A replaced by G.
Protein change: p.Ile1099Val; replaces isoleucine 1099 with valine.
Molecular consequence: missense variant.
Genome position (GRCh38, 1-based): chr16:77,291,373, T>C on the plus strand (A>G on the coding strand, the complement: ADAMTS18 is on the minus strand). VCF-style: chr16-77291373-T-C. GRCh37 (hg19) VCF-style: chr16-77325270-T-C.
Other names: c.2779A>G, p.Ile927Val (NM_001326358.2); short protein forms I927V, I1099V.
Identifiers: ClinVar variation 1485427 (VCV001485427.6), dbSNP rs751363300, ClinGen allele CA284421984.

ClinVar aggregate classification (germline): Uncertain significance (1 of 4 stars; one submission).

Allele frequency attached by ClinVar (database versions not stated): gnomAD exomes below 0.00001; TOPMed below 0.00001; gnomAD 0.00001.
gnomAD v4.1: 4 of 1,614,068 alleles (0.00025%); highest among the groups gnomAD compares: Non-Finnish European, 0.00017%; no homozygotes.

Submission:

Labcorp Genetics (formerly Invitae), Labcorp
Classification: Uncertain significance. Last evaluated: 2021-08-22. Review status: criteria provided, single submitter. Criteria: Invitae Variant Classification Sherloc (09022015). Collection method: clinical testing. Allele origin: germline.
Comment: This sequence change replaces isoleucine with valine at codon 1099 of the ADAMTS18 protein (p.Ile1099Val). The isoleucine residue is moderately conserved and there is a small physicochemical difference between isoleucine and valine. This variant is not present in population databases (ExAC no frequency). This variant has not been reported in the literature in individuals affected with ADAMTS18-related conditions. Algorithms developed to predict the effect of missense changes on protein structure and function output the following: SIFT: "Not Available"; PolyPhen-2: "Benign"; Align-GVGD: "Not Available". The valine amino acid residue is found in multiple mammalian species, which suggests that this missense change does not adversely affect protein function. In summary, the available evidence is currently insufficient to determine the role of this variant in disease. Therefore, it has been classified as a Variant of Uncertain Significance.